The following is an entry in ClinVar:

ClinVar aggregate classification (germline): Uncertain significance. Review status: criteria provided, multiple submitters, no conflicts (2 of 4 stars). 2 submissions from 2 submitters: Uncertain significance (2). Last evaluated 2025-10-22.

Conditions:
Inborn genetic diseases. Identifiers: MedGen C0950123, MeSH D030342.

gnomAD v4.1: 2 of 1,613,198 alleles (0.00012%); highest among the groups gnomAD compares: Non-Finnish European, 0.00017%; no homozygotes.

Submissions (2):

Ambry Genetics
Classification: Uncertain significance for Inborn genetic diseases. Last evaluated: 2025-10-22. Review status: criteria provided, single submitter. Criteria: Ambry Variant Classification Scheme 2023. Collection method: clinical testing. Allele origin: germline.
Comment: The p.T827M variant (also known as c.2480C>T), located in coding exon 21 of the KDM1A gene, results from a C to T substitution at nucleotide position 2480. The threonine at codon 827 is replaced by methionine, an amino acid with similar properties. This amino acid position is conserved. In addition, this alteration is predicted to be deleterious by in silico analysis. Based on the available evidence, the clinical significance of this variant remains unclear.

Labcorp Genetics (formerly Invitae), Labcorp
Classification: Uncertain significance. Last evaluated: 2025-04-30. Review status: criteria provided, single submitter. Criteria: Invitae Variant Classification Sherloc (09022015). Collection method: clinical testing. Allele origin: germline.
Comment: This sequence change replaces threonine, which is neutral and polar, with methionine, which is neutral and non-polar, at codon 827 of the KDM1A protein (p.Thr827Met). This variant is not present in population databases (gnomAD no frequency). This variant has not been reported in the literature in individuals affected with KDM1A-related conditions. Invitae Evidence Modeling of protein sequence and biophysical properties (such as structural, functional, and spatial information, amino acid conservation, physicochemical variation, residue mobility, and thermodynamic stability) indicates that this missense variant is expected to disrupt KDM1A protein function with a positive predictive value of 80%. In summary, the available evidence is currently insufficient to determine the role of this variant in disease. Therefore, it has been classified as a Variant of Uncertain Significance.

NM_001009999.3(KDM1A):c.2480C>T (p.Thr827Met)

Gene: KDM1A (lysine demethylase 1A; plus strand). Cytogenetic location: 1p36.12.
Variant type: single nucleotide variant.
Coding change: c.2480C>T on transcript NM_001009999.3 (MANE Select); coding-DNA position 2480, C replaced by T.
Protein change: p.Thr827Met; replaces threonine 827 with methionine.
Molecular consequence: missense variant. On other transcripts: 3 prime UTR variant (1).
Genome position (GRCh38, 1-based): chr1:23,083,213, C>T. VCF-style: chr1-23083213-C-T. GRCh37 (hg19) VCF-style: chr1-23409706-C-T.
Other names: c.2426C>T, p.Thr809Met (NM_001363654.2); c.2486C>T, p.Thr829Met (NM_001410762.1); c.*728C>T (NM_001410763.1); c.2408C>T, p.Thr803Met (NM_015013.4); short protein forms T827M, T829M, T809M, T803M.
Identifiers: ClinVar variation 4622684 (VCV004622684.2).